The following is an entry in ClinVar:

NM_001022.4(RPS19):c.*5A>G

Genes: RPS19 (ribosomal protein S19; plus strand), RPS19-CD79A (RPS19-CD79A readthrough; plus strand). Cytogenetic location: 19q13.2.
Variant type: single nucleotide variant.
Coding change: c.*5A>G on transcript NM_001022.4 (MANE Select); 5 bases downstream of the stop codon, A replaced by G.
Molecular consequence: 3 prime UTR variant. On other transcripts: synonymous variant (1).
Genome position (GRCh38, 1-based): chr19:41,871,382, A>G. VCF-style: chr19-41871382-A-G. GRCh37 (hg19) VCF-style: chr19-42375450-A-G.
Other names: c.*5A>G (NM_001321483.2, NM_001321484.2); c.456A>G, p.Gln152= (NM_001321485.2).
Identifiers: ClinVar variation 4984624 (VCV004984624.1).
Genomic context (GRCh38, chr19:41,871,382, plus strand): 5'-AACTTTTATTCTTCCATCTTTTCCCACAGGTGGCAGCTGCCAACAAGAAGCATTAGAACA[A>G]ACCATGCTGGGTTAATAAATTGCCTCATTCGTAATCCTGGTCTGGGTCTCTTTTTTGAGT-3'

ClinVar aggregate classification (germline): Likely benign (1 of 4 stars; one submission).

Conditions:
RPS19-related disorder. Also called: RPS19-related condition.

gnomAD v4.1: 35 of 1,613,166 alleles (0.0022%); highest among the groups gnomAD compares: African/African-American, 0.0053%; no homozygotes.

Submission:

PreventionGenetics, part of Exact Sciences
Classification: Likely benign for RPS19-related condition. Last evaluated: 2026-06-05. Review status: criteria provided, single submitter. Criteria: ACMG Guidelines, 2015. Collection method: clinical testing. Allele origin: germline.
Comment: This variant is classified as likely benign based on ACMG/AMP sequence variant interpretation guidelines (Richards et al. 2015 PMID: 25741868, with internal and published modifications).